The following is an entry in ClinVar:

ClinVar aggregate classification (germline): Likely benign. Review status: criteria provided, single submitter (1 of 4 stars). 2 submissions from 2 submitters: Likely benign (1). 1 of the submissions does not count toward it. Last evaluated 2025-10-07.

Conditions:
DNAH9-related disorder. Also called: DNAH9-related condition.

Allele frequency attached by ClinVar (database versions not stated): TOPMed 0.00012; ExAC 0.00002; ESP Exome Variant Server 0.00008; gnomAD exomes 0.00017; gnomAD 0.00011.
gnomAD v4.1: 253 of 1,613,930 alleles (0.016%); highest among the groups gnomAD compares: Non-Finnish European, 0.02%; no homozygotes.

Submissions (2):

Labcorp Genetics (formerly Invitae), Labcorp
Classification: Likely benign. Last evaluated: 2025-10-07. Review status: criteria provided, single submitter. Criteria: Invitae Variant Classification Sherloc (09022015). Collection method: clinical testing. Allele origin: germline.

PreventionGenetics, part of Exact Sciences
Classification: Likely benign for DNAH9-related condition. Last evaluated: 2019-06-13. Review status: no assertion criteria provided. Collection method: clinical testing. Allele origin: germline. Not counted in ClinVar's aggregate classification.
Comment: This variant is classified as likely benign based on ACMG/AMP sequence variant interpretation guidelines (Richards et al. 2015 PMID: 25741868, with internal and published modifications).

NM_001372.4(DNAH9):c.1776A>G (p.Glu592=)

Gene: DNAH9 (dynein axonemal heavy chain 9; plus strand). Cytogenetic location: 17p12.
Variant type: single nucleotide variant.
Coding change: c.1776A>G on transcript NM_001372.4 (MANE Select); coding-DNA position 1776, A replaced by G.
Protein change: p.Glu592=; no amino-acid change (glutamic acid 592 retained).
Molecular consequence: synonymous variant.
Genome position (GRCh38, 1-based): chr17:11,636,774, A>G. VCF-style: chr17-11636774-A-G. GRCh37 (hg19) VCF-style: chr17-11540091-A-G.
Other names: c.1776A>G (NM_001372.3).
Identifiers: ClinVar variation 2917191 (VCV002917191.5), dbSNP rs375961188, ClinGen allele CA8394958.